The following is an entry in ClinVar:

ClinVar aggregate classification (germline): Uncertain significance (1 of 4 stars; one submission).

Allele frequency attached by ClinVar (database versions not stated): gnomAD exomes 0.00001.
gnomAD v4.1: 11 of 1,613,268 alleles (0.00068%); highest among the groups gnomAD compares: South Asian, 0.0011%; no homozygotes.

Submission:

Labcorp Genetics (formerly Invitae), Labcorp
Classification: Uncertain significance. Last evaluated: 2021-08-24. Review status: criteria provided, single submitter. Criteria: Invitae Variant Classification Sherloc (09022015). Collection method: clinical testing. Allele origin: germline.
Comment: This sequence change replaces serine with leucine at codon 1995 of the CAD protein (p.Ser1995Leu). The serine residue is moderately conserved and there is a large physicochemical difference between serine and leucine. This variant is not present in population databases (ExAC no frequency). This variant has not been reported in the literature in individuals affected with CAD-related conditions. Algorithms developed to predict the effect of missense changes on protein structure and function (SIFT, PolyPhen-2, Align-GVGD) all suggest that this variant is likely to be tolerated. In summary, the available evidence is currently insufficient to determine the role of this variant in disease. Therefore, it has been classified as a Variant of Uncertain Significance.

NM_004341.5(CAD):c.5984C>T (p.Ser1995Leu)

Gene: CAD (carbamoyl-phosphate synthetase 2, aspartate transcarbamylase, and dihydroorotase; plus strand). Cytogenetic location: 2p23.3.
Variant type: single nucleotide variant.
Coding change: c.5984C>T on transcript NM_004341.5 (MANE Select); coding-DNA position 5984, C replaced by T.
Protein change: p.Ser1995Leu; replaces serine 1995 with leucine.
Molecular consequence: missense variant.
Genome position (GRCh38, 1-based): chr2:27,242,011, C>T. VCF-style: chr2-27242011-C-T. GRCh37 (hg19) VCF-style: chr2-27464879-C-T.
Other names: c.5795C>T, p.Ser1932Leu (NM_001306079.2); short protein forms S1995L, S1932L.
Identifiers: ClinVar variation 1473143 (VCV001473143.5), dbSNP rs983162590, ClinGen allele CA346224060.
Genomic context (GRCh38, chr2:27,242,011, plus strand): 5'-GGACCAGCAGCTCCTTTGCAGCAGCCATGGCCCGGCTGGGAGGTGCTGTGCTCAGCTTCT[C>T]GGAAGCCACATCGTCCGTCCAGAAGGGCGAATCCCTGGCTGACTCCGTGCAGACCATGAG-3'
Protein context (NP_004332.2, residues 1985-2005): ARLGGAVLSF[Ser1995Leu]EATSSVQKGE